The following is an entry in ClinVar:

NM_020247.5(COQ8A):c.1833del (p.Lys612fs)

Gene: COQ8A (coenzyme Q8A; plus strand). Cytogenetic location: 1q42.13.
Variant type: Deletion.
Coding change: c.1833del on transcript NM_020247.5 (MANE Select); coding-DNA position 1833, one base deleted (G; older notation c.1833delG).
Protein change: p.Lys612fs; shifts the reading frame from lysine 612.
Molecular consequence: frameshift variant.
Genome position (GRCh38, 1-based): chr1:226,986,626, G deleted; the last of 2 consecutive G bases (chr1:226,986,625-226,986,626); deleting either gives the same sequence. VCF-style (leftmost placement, unchanged base first): chr1-226986624-AG-A. GRCh37 (hg19) VCF-style: chr1-227174325-AG-A.
Other names: c.1833delG (NM_020247.4); short protein forms K612fs.
Identifiers: ClinVar variation 3903182 (VCV003903182.2).

ClinVar aggregate classification (germline): Conflicting classifications of pathogenicity. Review status: criteria provided, conflicting classifications (1 of 4 stars). 2 submissions from 2 submitters: Pathogenic (1); Uncertain significance (1). Last evaluated 2025-08-12.

Conditions:
COQ8A-related disorder. Also called: COQ8A-related condition.

Submissions (2):

PreventionGenetics, part of Exact Sciences
Classification: Uncertain significance for COQ8A-related condition. Last evaluated: 2025-08-12. Review status: criteria provided, single submitter. Criteria: ACMG Guidelines, 2015. Collection method: clinical testing. Allele origin: germline.
Comment: The COQ8A c.1833delG variant is predicted to result in a frameshift and premature protein termination (p.Lys612Argfs*12). This variant was previously reported in the compound heterozygous state in an individual with writer's cramp, tremor, and ataxia (Stephen et al. 2025. PubMed ID: 38355377). This variant is absent from a large population database (gnomAD), indicating this variant is rare. This variant is located in the last exon of the gene, and therefore the resulting transcript may or may not undergo nonsense-mediated decay. Although we suspect that this variant may be pathogenic, at this time, the clinical significance of this variant is classified as uncertain due to the absence of conclusive functional and genetic evidence.

GeneDx
Classification: Pathogenic. Last evaluated: 2024-12-11. Review status: criteria provided, single submitter. Criteria: GeneDx Variant Classification Process June 2021. Collection method: clinical testing. Allele origin: germline. Affected: yes.
Comment: Frameshift variant predicted to result in abnormal protein length as the last 36 amino acids are replaced with 11 different amino acids, and other similar variants have been reported in HGMD; Not observed at significant frequency in large population cohorts (gnomAD); Has not been previously published as pathogenic or benign to our knowledge